The following is an entry in ClinVar:

ClinVar aggregate classification (germline): Uncertain significance (1 of 4 stars; one submission).

Conditions:
Developmental and epileptic encephalopathy. Identifiers: MedGen C5779964, MONDO:0100620.

Submission:

Labcorp Genetics (formerly Invitae), Labcorp
Classification: Uncertain significance for Early-infantile DEE. Last evaluated: 2022-08-15. Review status: criteria provided, single submitter. Criteria: Invitae Variant Classification Sherloc (09022015). Collection method: clinical testing. Allele origin: germline.
Comment: A copy number gain of the genomic region encompassing the full coding sequence of the ARHGEF15 gene has been identified. The boundaries of this event are unknown as they extend beyond the assayed region for this gene and therefore may encompass additional genes. As the precise location of this event is unknown, it may be in tandem or it may be located elsewhere in the genome. This variant has not been reported in the literature in individuals affected with ARHGEF15-related conditions. In summary, the available evidence is currently insufficient to determine the role of this variant in disease. Therefore, it has been classified as a Variant of Uncertain Significance.

NC_000017.10:g.(?_8215338)_(8224331_?)dup

Gene: ARHGEF15 (Rho guanine nucleotide exchange factor 15; plus strand). Cytogenetic location: 17p13.1.
Variant type: Duplication.
Identifiers: ClinVar variation 656292 (VCV000656292.5).